The following is an entry in ClinVar:

NM_017849.4(TMEM127):c.*2291_*2292del

Gene: TMEM127 (transmembrane protein 127; minus strand). Cytogenetic location: 2q11.2.
Variant type: Deletion.
Coding change: c.*2291_*2292del on transcript NM_017849.4 (MANE Select); 2291 bases downstream of the stop codon through 2292 bases downstream of the stop codon, 2 bases deleted (AA; older notation c.*2291_*2292delAA).
Molecular consequence: 3 prime UTR variant.
Genome position (GRCh38, 1-based): chr2:96,251,516-96,251,517, TT deleted on the plus strand (AA on the coding strand, the reverse complement: TMEM127 is on the minus strand). VCF-style (leftmost placement, unchanged base first): chr2-96251515-CTT-C. GRCh37 (hg19) VCF-style: chr2-96917253-CTT-C.
Other names: c.*2291_*2292del (NM_001193304.3).
Identifiers: ClinVar variation 337464 (VCV000337464.29), dbSNP rs566328757, ClinGen allele CA10614163.
Genomic context (GRCh38, chr2:96,251,515, plus strand): 5'-GGTTGCAGTGAGCTGAGATCATGCCACGTTACACTCCAGCCCGGGTGACAGAGCGAGACT[CTT>C]GTCTCAAAAACAAGAAAAAGAAAAAAAAATACAGCCTCATCAACATCTCCTGCTTCTCTG-3'

ClinVar aggregate classification (germline): Likely benign (1 of 4 stars; one submission).

Allele frequency attached by ClinVar (database versions not stated): TOPMed 0.00079; gnomAD 0.00086 and 0.00091; gnomAD exomes 0.00118.

Submission:

CeGaT Center for Human Genetics Tuebingen
Classification: Likely benign. Last evaluated: 2023-03-01. Review status: criteria provided, single submitter. Criteria: CeGaT Center For Human Genetics Tuebingen Variant Classification Criteria Version 2. Collection method: clinical testing. Allele origin: germline. Affected: yes. Observed: 5 variant alleles.
Comment: TMEM127: BS1